The following is an entry in ClinVar:

NM_001378778.1(MPDZ):c.4736G>C (p.Gly1579Ala)

Gene: MPDZ (multiple PDZ domain crumbs cell polarity complex component; minus strand). Cytogenetic location: 9p23.
Variant type: single nucleotide variant.
Coding change: c.4736G>C on transcript NM_001378778.1 (MANE Select); coding-DNA position 4736, G replaced by C.
Protein change: p.Gly1579Ala; replaces glycine 1579 with alanine.
Molecular consequence: missense variant.
Genome position (GRCh38, 1-based): chr9:13,125,287, C>G on the plus strand (G>C on the coding strand, the complement: MPDZ is on the minus strand). VCF-style: chr9-13125287-C-G. GRCh37 (hg19) VCF-style: chr9-13125286-C-G.
Other names: c.4637G>C, p.Gly1546Ala (NM_001261406.2, NM_001375416.1, NM_001375417.1 and 3 more transcripts); c.4736G>C, p.Gly1579Ala (NM_003829.5, NM_001330637.2); c.4526G>C, p.Gly1509Ala (NM_001375420.1, NM_001375421.1, NM_001375422.1 and 4 more transcripts); c.4835G>C, p.Gly1612Ala (NM_001375413.1); c.4328G>C, p.Gly1443Ala (NM_001375427.1); short protein forms G1443A, G1509A, G1546A, G1579A, G1612A.
Identifiers: ClinVar variation 1713690 (VCV001713690.5), dbSNP rs1441866699, ClinGen allele CA372946062.
Genomic context (GRCh38, chr9:13,125,287, plus strand): 5'-TCCGGTTCTGGGGAGCCAGACTGTGGGACCATCAGAGACTGGGAGCTGTTCTTTTTTTCT[C>G]CACTGGCTGCACCAGCTGCTGAAGGAACAGCCTGGGAATCTGGATTCTCAGCATGGATGG-3'
Protein context (NP_001365707.1, residues 1569-1589): AVPSAAGAAS[Gly1579Ala]EKKNSSQSLM

ClinVar aggregate classification (germline): Uncertain significance (1 of 4 stars; one submission).

Allele frequency attached by ClinVar (database versions not stated): TOPMed below 0.00001.

Submission:

Labcorp Genetics (formerly Invitae), Labcorp
Classification: Uncertain significance. Last evaluated: 2022-07-24. Review status: criteria provided, single submitter. Criteria: Invitae Variant Classification Sherloc (09022015). Collection method: clinical testing. Allele origin: germline.
Comment: In summary, the available evidence is currently insufficient to determine the role of this variant in disease. Therefore, it has been classified as a Variant of Uncertain Significance. Algorithms developed to predict the effect of missense changes on protein structure and function are either unavailable or do not agree on the potential impact of this missense change (SIFT: "Deleterious"; PolyPhen-2: "Benign"; Align-GVGD: "Class C55"). This variant has not been reported in the literature in individuals affected with MPDZ-related conditions. This variant is not present in population databases (gnomAD no frequency). This sequence change replaces glycine, which is neutral and non-polar, with alanine, which is neutral and non-polar, at codon 1579 of the MPDZ protein (p.Gly1579Ala).